The following is an entry in ClinVar:

ClinVar aggregate classification (germline): Uncertain significance (1 of 4 stars; one submission).

Conditions:
Tatton-Brown-Rahman overgrowth syndrome. Also called: Tall stature-intellectual disability-facial dysmorphism syndrome; Tatton-Brown-Rahman syndrome. Identifiers: Orphanet 404443, MedGen C4014545, MONDO:0014382, OMIM 615879.

Submission:

MGZ Medical Genetics Center
Classification: Uncertain significance for Tatton-Brown-Rahman overgrowth syndrome. Last evaluated: 2022-05-17. Review status: criteria provided, single submitter. Criteria: ACMG Guidelines, 2015. Collection method: clinical testing. Allele origin: germline. Affected: yes. Observed: 1 variant allele.
Comment: ACMG criteria applied: PS2_SUP, PM2_SUP, PP2, BP4

NM_022552.5(DNMT3A):c.1550G>A (p.Cys517Tyr)

Gene: DNMT3A (DNA methyltransferase 3 alpha; minus strand). Cytogenetic location: 2p23.3.
Variant type: single nucleotide variant.
Coding change: c.1550G>A on transcript NM_022552.5 (MANE Select); coding-DNA position 1550, G replaced by A.
Protein change: p.Cys517Tyr; replaces cysteine 517 with tyrosine.
Molecular consequence: missense variant. On other transcripts: non-coding transcript variant (1).
Genome position (GRCh38, 1-based): chr2:25,245,257, C>T on the plus strand (G>A on the coding strand, the complement: DNMT3A is on the minus strand). VCF-style: chr2-25245257-C-T. GRCh37 (hg19) VCF-style: chr2-25468126-C-T.
Other names: c.1094G>A, p.Cys365Tyr (NM_001320893.1); c.881G>A, p.Cys294Tyr (NM_001375819.1); c.983G>A, p.Cys328Tyr (NM_153759.3); c.1550G>A, p.Cys517Tyr (NM_175629.2); short protein forms C294Y, C328Y, C365Y, C517Y.
Identifiers: ClinVar variation 1709807 (VCV001709807.2), dbSNP rs2465499424, ClinGen allele CA346072331.